The following is an entry in ClinVar:

NM_001148.6(ANK2):c.8567C>A (p.Ser2856Tyr)

Gene: ANK2 (ankyrin 2; plus strand). Cytogenetic location: 4q26.
Variant type: single nucleotide variant.
Coding change: c.8567C>A on transcript NM_001148.6 (MANE Select); coding-DNA position 8567, C replaced by A.
Protein change: p.Ser2856Tyr; replaces serine 2856 with tyrosine.
Molecular consequence: missense variant. On other transcripts: intron variant (68).
Genome position (GRCh38, 1-based): chr4:113,357,185, C>A. VCF-style: chr4-113357185-C-A. GRCh37 (hg19) VCF-style: chr4-114278341-C-A.
Other names: c.8333C>A, p.Ser2778Tyr (NM_001386142.1); c.4967C>A, p.Ser1656Tyr (NM_001386166.1); c.8708C>A, p.Ser2903Tyr (NM_001386174.1); c.8684C>A, p.Ser2895Tyr (NM_001386175.1); c.4412-3638C>A (NM_001386186.2, NM_001386148.2); c.4214-3638C>A (NM_001354269.3); c.4292-3638C>A (NM_001386187.2); c.4253-3638C>A (NM_001386147.1); and 35 more; short protein forms S1656Y, S2778Y, S2856Y, S2895Y, S2903Y.
Identifiers: ClinVar variation 3221017 (VCV003221017.1), dbSNP rs1564038156, ClinGen allele CA357934336.

ClinVar aggregate classification (germline): Uncertain significance (1 of 4 stars; one submission).

Conditions:
Cardiovascular phenotype. Identifiers: MedGen CN230736.

Allele frequency attached by ClinVar (database versions not stated): gnomAD exomes below 0.00001.
gnomAD v4.1: 2 of 1,614,090 alleles (0.00012%); highest among the groups gnomAD compares: Non-Finnish European, 0.000085%; no homozygotes.

Submission:

Ambry Genetics
Classification: Uncertain significance for Cardiovascular phenotype. Last evaluated: 2024-01-20. Review status: criteria provided, single submitter. Criteria: Ambry Variant Classification Scheme 2023. Collection method: clinical testing. Allele origin: germline.
Comment: The p.S2856Y variant (also known as c.8567C>A), located in coding exon 38 of the ANK2 gene, results from a C to A substitution at nucleotide position 8567. The serine at codon 2856 is replaced by tyrosine, an amino acid with dissimilar properties. This amino acid position is conserved. In addition, this alteration is predicted to be tolerated by in silico analysis. Based on the available evidence, the clinical significance of this alteration remains unclear.